The following is an entry in ClinVar:

ClinVar aggregate classification (germline): Uncertain significance. Review status: criteria provided, multiple submitters, no conflicts (2 of 4 stars). 2 submissions from 2 submitters: Uncertain significance (2). Last evaluated 2026-07-16.

Conditions:
Hereditary cancer-predisposing syndrome. Also called: Neoplastic Syndromes, Hereditary; Hereditary neoplastic syndrome; Hereditary Cancer Syndrome; Tumor predisposition. Identifiers: Orphanet 140162, MedGen C0027672, MeSH D009386, MONDO:0015356.
Peutz-Jeghers syndrome (PJS). Also called: POLYPOSIS, HAMARTOMATOUS INTESTINAL; POLYPS-AND-SPOTS SYNDROME; Peutz-Jeghers polyposis; Periorificial lentiginosis syndrome. Identifiers: Orphanet 2869, MedGen C0031269, MeSH D010580, MONDO:0008280, OMIM 175200.

Submissions (2):

Ambry Genetics
Classification: Uncertain significance for Hereditary cancer-predisposing syndrome. Last evaluated: 2026-07-16. Review status: criteria provided, single submitter. Criteria: Ambry Variant Classification Scheme 2023. Collection method: clinical testing. Allele origin: germline.
Comment: The p.A205P variant (also known as c.613G>C), located in coding exon 5 of the STK11 gene, results from a G to C substitution at nucleotide position 613. The alanine at codon 205 is replaced by proline, an amino acid with highly similar properties. This amino acid position is highly conserved in available vertebrate species. In addition, the in silico prediction for this alteration is inconclusive. Based on the available evidence, the clinical significance of this variant remains unclear.

Labcorp Genetics (formerly Invitae), Labcorp
Classification: Uncertain significance for Peutz-Jeghers syndrome. Last evaluated: 2023-12-01. Review status: criteria provided, single submitter. Criteria: Invitae Variant Classification Sherloc (09022015). Collection method: clinical testing. Allele origin: germline.
Comment: This sequence change replaces alanine, which is neutral and non-polar, with proline, which is neutral and non-polar, at codon 205 of the STK11 protein (p.Ala205Pro). This variant is not present in population databases (gnomAD no frequency). This variant has not been reported in the literature in individuals affected with STK11-related conditions. ClinVar contains an entry for this variant (Variation ID: 458056). Advanced modeling of protein sequence and biophysical properties (such as structural, functional, and spatial information, amino acid conservation, physicochemical variation, residue mobility, and thermodynamic stability) performed at Invitae indicates that this missense variant is expected to disrupt STK11 protein function with a positive predictive value of 95%. In summary, the available evidence is currently insufficient to determine the role of this variant in disease. Therefore, it has been classified as a Variant of Uncertain Significance.

NM_000455.5(STK11):c.613G>C (p.Ala205Pro)

Gene: STK11 (serine/threonine kinase 11; plus strand). Cytogenetic location: 19p13.3.
Variant type: single nucleotide variant.
Coding change: c.613G>C on transcript NM_000455.5 (MANE Select); coding-DNA position 613, G replaced by C.
Protein change: p.Ala205Pro; replaces alanine 205 with proline.
Molecular consequence: missense variant.
Genome position (GRCh38, 1-based): chr19:1,220,596, G>C. VCF-style: chr19-1220596-G-C. GRCh37 (hg19) VCF-style: chr19-1220595-G-C.
Other names: short protein forms A205P.
Identifiers: ClinVar variation 458056 (VCV000458056.10), dbSNP rs730881981, ClinGen allele CA402949447.